The following is an entry in ClinVar:

ClinVar aggregate classification (germline): Likely pathogenic. Review status: criteria provided, multiple submitters, no conflicts (2 of 4 stars). 2 submissions from 2 submitters: Likely pathogenic (2). Last evaluated 2025-01-19.

Conditions:
ALPK3-related disorder. Also called: ALPK3-related condition.

gnomAD v4.1: 3 of 1,595,788 alleles (0.00019%); highest among the groups gnomAD compares: Non-Finnish European, 0.00017%; no homozygotes.

Submissions (2):

Labcorp Genetics (formerly Invitae), Labcorp
Classification: Likely pathogenic. Last evaluated: 2025-01-19. Review status: criteria provided, single submitter. Criteria: Invitae Variant Classification Sherloc (09022015). Collection method: clinical testing. Allele origin: germline.
Comment: This sequence change affects an acceptor splice site in intron 4 of the ALPK3 gene. It is expected to disrupt RNA splicing. Variants that disrupt the donor or acceptor splice site typically lead to a loss of protein function (PMID: 16199547), and loss-of-function variants in ALPK3 are known to be pathogenic (PMID: 21441111, 26846950, 27106955, 34263907). The frequency data for this variant in the population databases is considered unreliable, as metrics indicate poor data quality at this position in the gnomAD database. This variant has not been reported in the literature in individuals affected with ALPK3-related conditions. ClinVar contains an entry for this variant (Variation ID: 2986382). Algorithms developed to predict the effect of sequence changes on RNA splicing suggest that this variant may disrupt the consensus splice site. In summary, the currently available evidence indicates that the variant is pathogenic, but additional data are needed to prove that conclusively. Therefore, this variant has been classified as Likely Pathogenic.

Blueprint Genetics
Classification: Likely pathogenic for ALPK3-related disorders. Last evaluated: 2018-07-05. Review status: criteria provided, single submitter. Criteria: ACMG Guidelines, 2015. Collection method: clinical testing. Allele origin: germline. Affected: yes. Observed: 1 variant allele.

Literature cited by the submitters: PubMed 16199547 (cited by Labcorp Genetics (formerly Invitae), Labcorp); PubMed 21441111 (cited by Labcorp Genetics (formerly Invitae), Labcorp); PubMed 26846950 (cited by Labcorp Genetics (formerly Invitae), Labcorp); PubMed 27106955 (cited by Labcorp Genetics (formerly Invitae), Labcorp); PubMed 34263907 (cited by Labcorp Genetics (formerly Invitae), Labcorp).

NM_020778.5(ALPK3):c.423-2A>G

Gene: ALPK3 (alpha kinase 3; plus strand). Cytogenetic location: 15q25.3.
Variant type: single nucleotide variant.
Coding change: c.423-2A>G on transcript NM_020778.5 (MANE Select); the canonical splice acceptor site of the intron before coding-DNA position 423, A replaced by G.
Molecular consequence: splice acceptor variant.
Genome position (GRCh38, 1-based): chr15:84,839,700, A>G. VCF-style: chr15-84839700-A-G. GRCh37 (hg19) VCF-style: chr15-85382931-A-G.
Identifiers: ClinVar variation 2986382 (VCV002986382.4), dbSNP rs1165208700, ClinGen allele CA393372432.